The following is an entry in ClinVar:

NM_000368.5(TSC1):c.663+35T>C

Gene: TSC1 (TSC complex subunit 1; minus strand). Cytogenetic location: 9q34.13.
Variant type: single nucleotide variant.
Coding change: c.663+35T>C on transcript NM_000368.5 (MANE Select); 35 bases into the intron after coding-DNA position 663, T replaced by C.
Molecular consequence: intron variant.
Genome position (GRCh38, 1-based): chr9:132,921,784, A>G on the plus strand (T>C on the coding strand, the complement: TSC1 is on the minus strand). VCF-style: chr9-132921784-A-G. GRCh37 (hg19) VCF-style: chr9-135797171-A-G.
Other names: c.300+35T>C (NM_001362177.2); c.510+35T>C (NM_001162427.2); c.663+35T>C (NM_001162426.2).
Identifiers: ClinVar variation 679402 (VCV000679402.1), dbSNP rs556038860, ClinGen allele CA038439.

ClinVar aggregate classification (germline): Likely benign (1 of 4 stars; one submission).

Allele frequency attached by ClinVar (database versions not stated): gnomAD 0.00003 and 0.00044; TOPMed 0.00008; gnomAD exomes 0.00062 and 0.00128; ExAC 0.00144; 1000 Genomes Project 0.00280; 1000 Genomes Project 30x 0.00297.
gnomAD v4.1: 979 of 1,613,208 alleles (0.061%); highest among the groups gnomAD compares: South Asian, 1%; 14 homozygotes.

Submission:

GeneDx
Classification: Likely benign. Last evaluated: 2018-06-16. Review status: criteria provided, single submitter. Criteria: GeneDx Variant Classification (06012015). Collection method: clinical testing. Allele origin: germline. Affected: yes.
Comment: This variant is considered likely benign or benign based on one or more of the following criteria: it is a conservative change, it occurs at a poorly conserved position in the protein, it is predicted to be benign by multiple in silico algorithms, and/or has population frequency not consistent with disease.